The following is an entry in ClinVar:

NM_001367943.1(TCF7L2):c.1627del (p.Leu543fs)

Gene: TCF7L2 (transcription factor 7 like 2; plus strand). Cytogenetic location: 10q25.3.
Variant type: Deletion.
Coding change: c.1627del on transcript NM_001367943.1 (MANE Select); coding-DNA position 1627, one base deleted (C; older notation c.1627delC).
Protein change: p.Leu543fs; shifts the reading frame from leucine 543.
Molecular consequence: frameshift variant. On other transcripts: 3 prime UTR variant (12).
Genome position (GRCh38, 1-based): chr10:113,165,739, C deleted; the last of 5 consecutive C bases (chr10:113,165,735-113,165,739); deleting any one gives the same sequence. VCF-style (leftmost placement, unchanged base first): chr10-113165734-AC-A. GRCh37 (hg19) VCF-style: chr10-114925493-AC-A.
Other names: c.1576del, p.Leu526fs (NM_001146274.2); c.*105del (NM_001146283.2, NM_001146284.2, NM_001146286.2 and 4 more transcripts); c.1507del, p.Leu503fs (NM_001146285.2, NM_001198526.2); c.*215del (NM_001198525.2); c.*203del (NM_001198527.2, NM_001198528.2, NM_001349870.2 and 1 more transcripts); c.1558del, p.Leu520fs (NM_030756.5); short protein forms L543fs, L520fs, L526fs, L503fs.
Identifiers: ClinVar variation 3781020 (VCV003781020.1).

ClinVar aggregate classification (germline): Uncertain significance (1 of 4 stars; one submission).

Submission:

GeneDx
Classification: Uncertain significance. Last evaluated: 2024-10-20. Review status: criteria provided, single submitter. Criteria: GeneDx Variant Classification Process June 2021. Collection method: clinical testing. Allele origin: germline. Affected: yes.
Comment: Frameshift variant predicted to result in abnormal protein length as the last 77 amino acid(s) are replaced with 5 different amino acid(s); Not observed at significant frequency in large population cohorts (gnomAD); Has not been previously published as pathogenic or benign to our knowledge